The following is an entry in ClinVar:

ClinVar aggregate classification (germline): Uncertain significance (1 of 4 stars; one submission).

Allele frequency attached by ClinVar (database versions not stated): TOPMed below 0.00001.
gnomAD v4.1: 4 of 1,613,762 alleles (0.00025%); highest among the groups gnomAD compares: Admixed American, 0.0067%; no homozygotes.

Submission:

Labcorp Genetics (formerly Invitae), Labcorp
Classification: Uncertain significance. Last evaluated: 2026-01-13. Review status: criteria provided, single submitter. Criteria: Invitae Variant Classification Sherloc (09022015). Collection method: clinical testing. Allele origin: germline.
Comment: This sequence change falls in intron 30 of the FLNB gene. It does not directly change the encoded amino acid sequence of the FLNB protein. It affects a nucleotide within the consensus splice site. This variant is present in population databases (no rsID available, gnomAD 0.009%). This variant has not been reported in the literature in individuals affected with FLNB-related conditions. ClinVar contains an entry for this variant (Variation ID: 1445487). Variants that disrupt the consensus splice site are a relatively common cause of aberrant splicing (PMID: 17576681, 9536098). Algorithms developed to predict the effect of sequence changes on RNA splicing suggest that this variant is not likely to affect RNA splicing. In summary, the available evidence is currently insufficient to determine the role of this variant in disease. Therefore, it has been classified as a Variant of Uncertain Significance.

Literature cited by the submitters: PubMed 17576681; PubMed 9536098.

NM_001457.4(FLNB):c.5181+4C>A

Gene: FLNB (filamin B; plus strand). Cytogenetic location: 3p14.3.
Variant type: single nucleotide variant.
Coding change: c.5181+4C>A on transcript NM_001457.4 (MANE Select); 4 bases into the intron after coding-DNA position 5181, C replaced by A.
Molecular consequence: intron variant.
Genome position (GRCh38, 1-based): chr3:58,141,933, C>A. VCF-style: chr3-58141933-C-A. GRCh37 (hg19) VCF-style: chr3-58127660-C-A.
Other names: c.5274+4C>A (NM_001164317.2); c.5148+37C>A (NM_001164318.2); c.5110-717C>A (NM_001164319.2).
Identifiers: ClinVar variation 1445487 (VCV001445487.6), dbSNP rs755886634, ClinGen allele CA543252008.
Genomic context (GRCh38, chr3:58,141,933, plus strand): 5'-GTCACAGCCGTGGAGGAGGCACCGGTAAATGCATGTCCCCCTGGATTCAGGCCCTGGGTA[C>A]AATTTTGGTTTTTTCCTTTTTGTGTTTCTGTGTTTACTCAGCCTTCATTTCAGAAAATCT-3'